The following is an entry in ClinVar:

NM_000043.6(FAS):c.95C>A (p.Ser32Tyr)

Gene: FAS (Fas cell surface death receptor; plus strand). Cytogenetic location: 10q23.31.
Variant type: single nucleotide variant.
Coding change: c.95C>A on transcript NM_000043.6 (MANE Select); coding-DNA position 95, C replaced by A.
Protein change: p.Ser32Tyr; replaces serine 32 with tyrosine.
Molecular consequence: missense variant. On other transcripts: non-coding transcript variant (7).
Genome position (GRCh38, 1-based): chr10:89,003,093, C>A. VCF-style: chr10-89003093-C-A. GRCh37 (hg19) VCF-style: chr10-90762850-C-A.
Other names: c.95C>A, p.Ser32Tyr (NM_001320619.2, NM_152871.4, NM_152872.4); short protein forms S32Y.
Identifiers: ClinVar variation 1044705 (VCV001044705.7), dbSNP rs866603022, ClinGen allele CA377507448.

ClinVar aggregate classification (germline): Uncertain significance (1 of 4 stars; one submission).

Conditions:
Autoimmune lymphoproliferative syndrome type 1. Also called: AUTOIMMUNE LYMPHOPROLIFERATIVE SYNDROME, TYPE I, AUTOSOMAL DOMINANT. Identifiers: Orphanet 3261, MedGen C2717884, MONDO:0011158, OMIM 601859.

Allele frequency attached by ClinVar (database versions not stated): gnomAD exomes below 0.00001; TOPMed below 0.00001; gnomAD 0.00001.
gnomAD v4.1: 19 of 1,614,002 alleles (0.0012%); highest among the groups gnomAD compares: Non-Finnish European, 0.0016%; no homozygotes.

Submission:

Labcorp Genetics (formerly Invitae), Labcorp
Classification: Uncertain significance for Autoimmune lymphoproliferative syndrome. Last evaluated: 2021-03-10. Review status: criteria provided, single submitter. Criteria: Invitae Variant Classification Sherloc (09022015). Collection method: clinical testing. Allele origin: germline.
Comment: This variant has not been reported in the literature in individuals with FAS-related conditions. In summary, the available evidence is currently insufficient to determine the role of this variant in disease. Therefore, it has been classified as a Variant of Uncertain Significance. Algorithms developed to predict the effect of missense changes on protein structure and function are either unavailable or do not agree on the potential impact of this missense change (SIFT: "Not Available"; PolyPhen-2: "Benign"; Align-GVGD: "Not Available"). This variant is not present in population databases (ExAC no frequency). This sequence change replaces serine with tyrosine at codon 32 of the FAS protein (p.Ser32Tyr). The serine residue is moderately conserved and there is a large physicochemical difference between serine and tyrosine.